The following is an entry in ClinVar:

NM_018006.5(TRMU):c.184C>T (p.Gln62Ter)

Gene: TRMU (tRNA mitochondrial 2-thiouridylase; plus strand). Cytogenetic location: 22q13.31.
Variant type: single nucleotide variant.
Coding change: c.184C>T on transcript NM_018006.5 (MANE Select); coding-DNA position 184, C replaced by T.
Protein change: p.Gln62Ter; replaces glutamine 62 with a stop codon.
Molecular consequence: nonsense. On other transcripts: 5 prime UTR variant (3), non-coding transcript variant (2).
Genome position (GRCh38, 1-based): chr22:46,337,880, C>T. VCF-style: chr22-46337880-C-T. GRCh37 (hg19) VCF-style: chr22-46733777-C-T.
Other names: c.184C>T, p.Gln62Ter (NM_001008568.2, NM_001008570.2, NM_001282785.2); c.-52C>T (NM_001282782.2); c.-71C>T (NM_001282783.2, NM_001282784.2); short protein forms Q62*.
Identifiers: ClinVar variation 2126798 (VCV002126798.4), dbSNP rs2518132021, ClinGen allele CA411940312.

ClinVar aggregate classification (germline): Pathogenic (1 of 4 stars; one submission).

Submission:

Labcorp Genetics (formerly Invitae), Labcorp
Classification: Pathogenic. Last evaluated: 2022-04-16. Review status: criteria provided, single submitter. Criteria: Invitae Variant Classification Sherloc (09022015). Collection method: clinical testing. Allele origin: germline.
Comment: For these reasons, this variant has been classified as Pathogenic. This variant has not been reported in the literature in individuals affected with TRMU-related conditions. This variant is not present in population databases (gnomAD no frequency). This sequence change creates a premature translational stop signal (p.Gln62*) in the TRMU gene. It is expected to result in an absent or disrupted protein product. Loss-of-function variants in TRMU are known to be pathogenic (PMID: 19732863, 23625533).

Literature cited by the submitters: PubMed 19732863; PubMed 23625533.